The following is an entry in ClinVar:

ClinVar aggregate classification (germline): Uncertain significance. Review status: criteria provided, multiple submitters, no conflicts (2 of 4 stars). 5 submissions from 5 submitters: Uncertain significance (4). 1 of the submissions does not count toward it. Last evaluated 2025-01-19.

Conditions:
Hereditary cancer-predisposing syndrome. Also called: Hereditary Cancer Syndrome; Hereditary neoplastic syndrome; Neoplastic Syndromes, Hereditary; Tumor predisposition. Identifiers: Orphanet 140162, MedGen C0027672, MeSH D009386, MONDO:0015356.
Breast-ovarian cancer, familial, susceptibility to, 1 (BROVCA1). Also called: BRCA1 Hereditary Breast and Ovarian Cancer; OVARIAN CANCER, SUSCEPTIBILITY TO. Identifiers: Orphanet 145, MedGen C2676676, MONDO:0011450, OMIM 604370. Disease mechanism: loss of function.
Hereditary breast ovarian cancer syndrome. Also called: BRCA1- and BRCA2-Associated Hereditary Breast and Ovarian Cancer; Hereditary breast and ovarian cancer syndrome; Hereditary breast and ovarian cancer syndrome (HBOC); Breast and ovarian cancer; Hereditary breast and/or ovarian cancer syndrome; Hereditary breast and ovarian cancer. Identifiers: Orphanet 145, MedGen C0677776, MeSH D061325, MONDO:0003582. Disease mechanism: loss of function.

Allele frequency attached by ClinVar (database versions not stated): gnomAD exomes below 0.00001.
gnomAD v4.1: 1 of 1,613,922 alleles (0.000062%); highest among the groups gnomAD compares: Non-Finnish European, 0.000085%; no homozygotes.

Submissions (5):

Labcorp Genetics (formerly Invitae), Labcorp
Classification: Uncertain significance for Hereditary breast ovarian cancer syndrome. Last evaluated: 2025-01-19. Review status: criteria provided, single submitter. Criteria: Invitae Variant Classification Sherloc (09022015). Collection method: clinical testing. Allele origin: germline.
Comment: This sequence change replaces proline, which is neutral and non-polar, with serine, which is neutral and polar, at codon 1502 of the BRCA1 protein (p.Pro1502Ser). This variant is not present in population databases (gnomAD no frequency). This variant has not been reported in the literature in individuals affected with BRCA1-related conditions. ClinVar contains an entry for this variant (Variation ID: 55218). Invitae Evidence Modeling of protein sequence and biophysical properties (such as structural, functional, and spatial information, amino acid conservation, physicochemical variation, residue mobility, and thermodynamic stability) indicates that this missense variant is not expected to disrupt BRCA1 protein function with a negative predictive value of 95%. In summary, the available evidence is currently insufficient to determine the role of this variant in disease. Therefore, it has been classified as a Variant of Uncertain Significance.

Ambry Genetics
Classification: Uncertain significance for Hereditary cancer-predisposing syndrome. Last evaluated: 2019-10-29. Review status: criteria provided, single submitter. Criteria: Ambry Variant Classification Scheme 2023. Collection method: clinical testing. Allele origin: germline.
Comment: The p.P1502S variant (also known as c.4504C>T), located in coding exon 13 of the BRCA1 gene, results from a C to T substitution at nucleotide position 4504. The proline at codon 1502 is replaced by serine, an amino acid with similar properties. Using an in vivo prediction tool, this variant was predicted to create an additional kinase binding site (Tram E et al. PLoS ONE 2013; 8(5):e62468). This amino acid position is poorly conserved in available vertebrate species. In addition, the in silico prediction for this alteration is inconclusive. Since supporting evidence is limited at this time, the clinical significance of this alteration remains unclear.

Color Diagnostics, LLC DBA Color Health
Classification: Uncertain significance for Hereditary cancer-predisposing syndrome. Last evaluated: 2019-01-18. Review status: criteria provided, single submitter. Criteria: ACMG Guidelines, 2015. Collection method: clinical testing. Allele origin: germline.

GeneDx
Classification: Uncertain significance. Last evaluated: 2014-05-29. Review status: criteria provided, single submitter. Criteria: GeneDx Variant Classification (06012015). Collection method: clinical testing. Allele origin: germline. Affected: yes.
Comment: This variant is denoted BRCA1 c.4504C>T at the cDNA level, p.Pro1502Ser (P1502S) at the protein level, and results in the change of a Proline to a Serine (CCA>TCA). This variant was predicted to create additional kinase binding sites, the clinical significance of which is unclear (Tram 2013). BRCA1 Pro1502Ser was not observed in approximately 6,500 individuals of European and African American ancestry in the NHLBI Exome Sequencing Project, indicating it is not a common benign variant in these populations. Since Proline and Serine differ in polarity, charge, size or other properties, this is considered a non-conservative amino acid substitution. BRCA1 Pro1502Ser occurs at a position that is highly variable across species and is located in the SQ/TQ cluster domain (Roy 2012). In addition, in silico analyses predict that this variant is unlikely to alter protein structure or function. The variant is listed once in the Breast Information Core (BIC) database as having unknown significance. Based on currently available information, it is unclear whether BRCA1 Pro1502Ser is pathogenic or benign. We consider it to be a variant of uncertain significance.

Breast Cancer Information Core (BIC) (BRCA1)
Classification: Uncertain significance for Breast-ovarian cancer, familial 1. Last evaluated: 2003-12-23. Review status: no assertion criteria provided. Collection method: clinical testing. Allele origin: germline. Affected: yes. Observed: 1 variant allele. Not counted in ClinVar's aggregate classification.

Literature cited by the submitters: PubMed 23704879 (cited by Ambry Genetics).

NM_007294.4(BRCA1):c.4504C>T (p.Pro1502Ser)

Gene: BRCA1 (BRCA1 DNA repair associated; minus strand). Cytogenetic location: 17q21.31.
Variant type: single nucleotide variant.
Coding change: c.4504C>T on transcript NM_007294.4 (MANE Select); coding-DNA position 4504, C replaced by T.
Protein change: p.Pro1502Ser; replaces proline 1502 with serine.
Molecular consequence: missense variant. On other transcripts: non-coding transcript variant (1).
Genome position (GRCh38, 1-based): chr17:43,074,502, G>A on the plus strand (C>T on the coding strand, the complement: BRCA1 is on the minus strand). VCF-style: chr17-43074502-G-A. GRCh37 (hg19) VCF-style: chr17-41226519-G-A.
Other names: p.P1502S:CCA>TCA; c.4360C>T, p.Pro1454Ser (NM_001407735.1, NM_001407736.1, NM_001407737.1 and 21 more transcripts); c.4501C>T, p.Pro1501Ser (NM_001407611.1, NM_001407612.1, NM_001407613.1 and 17 more transcripts); c.4498C>T, p.Pro1500Ser (NM_001407630.1, NM_001407631.1, NM_001407632.1 and 14 more transcripts); c.4504C>T, p.Pro1502Ser (NM_001407652.1, NM_001407593.1, NM_001407594.1 and 8 more transcripts); c.4426C>T, p.Pro1476Ser (NM_001407653.1, NM_001407654.1, NM_001407655.1); c.4423C>T, p.Pro1475Ser (NM_001407656.1, NM_001407657.1, NM_001407658.1); c.4420C>T, p.Pro1474Ser (NM_001407659.1, NM_001407660.1, NM_001407661.1 and 2 more transcripts); and 69 more; short protein forms P1502S, P1523S, P398S, P1455S, P1205S, P1375S, P1431S, P1458S.
Identifiers: ClinVar variation 55218 (VCV000055218.20), dbSNP rs80357383, ClinGen allele CA002887.